The following is an entry in ClinVar:

ClinVar aggregate classification (germline): Uncertain significance (1 of 4 stars; one submission).

Conditions:
Kabuki syndrome. Also called: NIIKAWA-KUROKI SYNDROME; Kabuki make-up syndrome. Identifiers: Orphanet 2322, MedGen C0796004, MONDO:0016512.

gnomAD v4.1: 1 of 1,587,040 alleles (0.000063%); highest among the groups gnomAD compares: Non-Finnish European, 0.000086%; no homozygotes.

Submission:

Labcorp Genetics (formerly Invitae), Labcorp
Classification: Uncertain significance for Kabuki syndrome. Last evaluated: 2024-12-10. Review status: criteria provided, single submitter. Criteria: Invitae Variant Classification Sherloc (09022015). Collection method: clinical testing. Allele origin: germline.
Comment: This sequence change replaces proline, which is neutral and non-polar, with serine, which is neutral and polar, at codon 5352 of the KMT2D protein (p.Pro5352Ser). This variant is not present in population databases (gnomAD no frequency). This variant has not been reported in the literature in individuals affected with KMT2D-related conditions. Experimental studies and prediction algorithms are not available or were not evaluated, and the functional significance of this variant is currently unknown. In summary, the available evidence is currently insufficient to determine the role of this variant in disease. Therefore, it has been classified as a Variant of Uncertain Significance.

NM_003482.4(KMT2D):c.16054C>T (p.Pro5352Ser)

Gene: KMT2D (lysine methyltransferase 2D; minus strand). Cytogenetic location: 12q13.12.
Variant type: single nucleotide variant.
Coding change: c.16054C>T on transcript NM_003482.4 (MANE Select); coding-DNA position 16054, C replaced by T.
Protein change: p.Pro5352Ser; replaces proline 5352 with serine.
Molecular consequence: missense variant.
Genome position (GRCh38, 1-based): chr12:49,022,874, G>A on the plus strand (C>T on the coding strand, the complement: KMT2D is on the minus strand). VCF-style: chr12-49022874-G-A. GRCh37 (hg19) VCF-style: chr12-49416657-G-A.
Other names: short protein forms P5352S.
Identifiers: ClinVar variation 3679759 (VCV003679759.2).